The following is an entry in ClinVar:

NM_004304.5(ALK):c.139T>G (p.Ser47Ala)

Gene: ALK (ALK receptor tyrosine kinase; minus strand). Cytogenetic location: 2p23.1.
Variant type: single nucleotide variant.
Coding change: c.139T>G on transcript NM_004304.5 (MANE Select); coding-DNA position 139, T replaced by G.
Protein change: p.Ser47Ala; replaces serine 47 with alanine.
Molecular consequence: missense variant.
Genome position (GRCh38, 1-based): chr2:29,920,521, A>C on the plus strand (T>G on the coding strand, the complement: ALK is on the minus strand). VCF-style: chr2-29920521-A-C. GRCh37 (hg19) VCF-style: chr2-30143387-A-C.
Other names: short protein forms S47A.
Identifiers: ClinVar variation 895298 (VCV000895298.5), dbSNP rs1402352282, ClinGen allele CA346590621.
Genomic context (GRCh38, chr2:29,920,521, plus strand): 5'-AGACACGGAAGAGCGAGGGCACCACGAAGTCAACTGCCAGACTCTTCCTCTGCAGGCGCG[A>C]GTAGCTGAGTGGCTCCCGGGGCTGCAGCGGCGGCCCCGCAGCTGGGGAGCCCGCGCGCTG-3'
Protein context (NP_004295.2, residues 37-57): PLQPREPLSY[Ser47Ala]RLQRKSLAVD

ClinVar aggregate classification (germline): Uncertain significance. Review status: criteria provided, multiple submitters, no conflicts (2 of 4 stars). 2 submissions from 2 submitters: Uncertain significance (2). Last evaluated 2024-05-05.

Conditions:
Hereditary cancer-predisposing syndrome. Also called: Neoplastic Syndromes, Hereditary; Tumor predisposition; Hereditary Cancer Syndrome; Hereditary neoplastic syndrome. Identifiers: Orphanet 140162, MedGen C0027672, MeSH D009386, MONDO:0015356.
Neuroblastoma, susceptibility to, 3. Also called: ALK-Related Neuroblastic Tumor Susceptibility. Identifiers: Orphanet 635, MedGen C2751681, MONDO:0013083, OMIM 613014.

Allele frequency attached by ClinVar (database versions not stated): gnomAD exomes below 0.00001.

Submissions (2):

Ambry Genetics
Classification: Uncertain significance for Hereditary cancer-predisposing syndrome. Last evaluated: 2024-05-05. Review status: criteria provided, single submitter. Criteria: Ambry Variant Classification Scheme 2023. Collection method: clinical testing. Allele origin: germline.
Comment: The p.S47A variant (also known as c.139T>G), located in coding exon 1 of the ALK gene, results from a T to G substitution at nucleotide position 139. The serine at codon 47 is replaced by alanine, an amino acid with similar properties. This amino acid position is conserved. In addition, the in silico prediction for this alteration is inconclusive. Based on the available evidence, the clinical significance of this variant remains unclear.

Illumina Laboratory Services, Illumina
Classification: Uncertain significance for Neuroblastoma, susceptibility to, 3. Last evaluated: 2018-04-20. Review status: criteria provided, single submitter. Criteria: ICSL Variant Classification Criteria 13 December 2019. Collection method: clinical testing. Allele origin: germline.